The following is an entry in ClinVar:

NM_004655.4(AXIN2):c.2126A>T (p.Lys709Met)

Gene: AXIN2 (axin 2; minus strand). Cytogenetic location: 17q24.1.
Variant type: single nucleotide variant.
Coding change: c.2126A>T on transcript NM_004655.4 (MANE Select); coding-DNA position 2126, A replaced by T.
Protein change: p.Lys709Met; replaces lysine 709 with methionine.
Molecular consequence: missense variant.
Genome position (GRCh38, 1-based): chr17:65,536,335, T>A on the plus strand (A>T on the coding strand, the complement: AXIN2 is on the minus strand). VCF-style: chr17-65536335-T-A. GRCh37 (hg19) VCF-style: chr17-63532453-T-A.
Other names: c.1931A>T, p.Lys644Met (NM_001363813.1); short protein forms K709M, K644M.
Identifiers: ClinVar variation 3470518 (VCV003470518.1).

ClinVar aggregate classification (germline): Uncertain significance (1 of 4 stars; one submission).

Conditions:
Hereditary cancer-predisposing syndrome. Also called: Tumor predisposition; Neoplastic Syndromes, Hereditary; Hereditary neoplastic syndrome; Hereditary Cancer Syndrome. Identifiers: Orphanet 140162, MedGen C0027672, MeSH D009386, MONDO:0015356.

Submission:

Ambry Genetics
Classification: Uncertain significance for Hereditary cancer-predisposing syndrome. Last evaluated: 2024-10-02. Review status: criteria provided, single submitter. Criteria: Ambry Variant Classification Scheme 2023. Collection method: clinical testing. Allele origin: germline.
Comment: The p.K709M variant (also known as c.2126A>T), located in coding exon 7 of the AXIN2 gene, results from an A to T substitution at nucleotide position 2126. The lysine at codon 709 is replaced by methionine, an amino acid with similar properties. This amino acid position is conserved. In addition, the in silico prediction for this alteration is inconclusive. Based on the available evidence, the clinical significance of this variant remains unclear.